The following is an entry in ClinVar:

NM_000540.3(RYR1):c.11270T>G (p.Met3757Arg)

Gene: RYR1 (ryanodine receptor 1; plus strand). Cytogenetic location: 19q13.2.
Variant type: single nucleotide variant.
Coding change: c.11270T>G on transcript NM_000540.3 (MANE Select); coding-DNA position 11270, T replaced by G.
Protein change: p.Met3757Arg; replaces methionine 3757 with arginine.
Molecular consequence: missense variant.
Genome position (GRCh38, 1-based): chr19:38,534,730, T>G. VCF-style: chr19-38534730-T-G. GRCh37 (hg19) VCF-style: chr19-39025370-T-G.
Other names: c.11255T>G, p.Met3752Arg (NM_001042723.2); short protein forms M3752R, M3757R.
Identifiers: ClinVar variation 3071075 (VCV003071075.2), dbSNP rs1971889380, ClinGen allele CA405654435.
Genomic context (GRCh38, chr19:38,534,730, plus strand): 5'-CTGGGCTGGAAAGCCTGGACTTGCCTTCATGTGTCTGCCTCCCTTCCCAGGAGAAACAGA[T>G]GGAGAAGCAGAGGCTCTTGTACCAGCAAGCACGGCTGCACACCCGGGGGGCGGCCGAGAT-3'
Protein context (NP_000531.2, residues 3747-3767): EVEVSFEEKQ[Met3757Arg]EKQRLLYQQA

ClinVar aggregate classification (germline): Uncertain significance (1 of 4 stars; one submission).

Conditions:
Malignant hyperthermia, susceptibility to, 1 (MHS1). Also called: Anesthesia related hyperthermia; Malignant hyperpyrexia; Fulminating hyperpyrexia; Pharmacogenic myopathy; RYR1-Related Malignant Hyperthermia Susceptibility; Malignant hyperthermia suceptibility 1. Identifiers: Orphanet 423, MedGen C2930980, MONDO:0007783, OMIM 145600.

Allele frequency attached by ClinVar (database versions not stated): TOPMed below 0.00001.
gnomAD v4.1: 1 of 1,613,900 alleles (0.000062%); no homozygotes.

Submission:

All of Us Research Program, National Institutes of Health
Classification: Uncertain significance for Malignant hyperthermia, susceptibility to, 1. Last evaluated: 2024-05-30. Review status: criteria provided, single submitter. Criteria: ACMG Guidelines, 2015. Collection method: clinical testing. Allele origin: germline. Inheritance: Autosomal dominant inheritance. Observed: 2 variant alleles, 2 heterozygotes.
Comment: This missense variant replaces methionine with arginine at codon 3757 of the RYR1 protein. Computational prediction suggests that this variant may have deleterious impact on protein structure and function (internally defined REVEL score threshold >= 0.7, PMID: 27666373). To our knowledge, functional studies have not been reported for this variant. This variant has not been reported in individuals affected with RYR1-related disorders in the literature. This variant has not been identified in the general population by the Genome Aggregation Database (gnomAD). The available evidence is insufficient to determine the role of this variant in disease conclusively. Therefore, this variant is classified as a Variant of Uncertain Significance.

This study involves interpretation of variants in research participants for the purpose of population health screening. Participant phenotype was not available at the time of variant classification. Additional details can be found in publication PMID: 35346344, PMCID: PMC8962531